The following is an entry in ClinVar:

ClinVar aggregate classification (germline): Conflicting classifications of pathogenicity. Review status: criteria provided, conflicting classifications (1 of 4 stars). 2 submissions from 2 submitters: Uncertain significance (1); Likely benign (1). Last evaluated 2024-11-26.

Conditions:
Rhabdoid tumor predisposition syndrome 2 (RTPS2). Identifiers: Orphanet 231108, Orphanet 69077, MedGen C2750074, MONDO:0013224, OMIM 613325.
Hereditary cancer-predisposing syndrome. Also called: Hereditary neoplastic syndrome; Neoplastic Syndromes, Hereditary; Tumor predisposition; Hereditary Cancer Syndrome. Identifiers: Orphanet 140162, MedGen C0027672, MeSH D009386, MONDO:0015356.

Submissions (2):

Ambry Genetics
Classification: Likely benign for Hereditary cancer-predisposing syndrome. Last evaluated: 2024-11-26. Review status: criteria provided, single submitter. Criteria: Ambry Variant Classification Scheme 2023. Collection method: clinical testing. Allele origin: germline.

Labcorp Genetics (formerly Invitae), Labcorp
Classification: Uncertain significance for Rhabdoid tumor predisposition syndrome 2. Last evaluated: 2024-01-28. Review status: criteria provided, single submitter. Criteria: Invitae Variant Classification Sherloc (09022015). Collection method: clinical testing. Allele origin: germline.
Comment: This sequence change replaces glycine, which is neutral and non-polar, with glutamic acid, which is acidic and polar, at codon 101 of the SMARCA4 protein (p.Gly101Glu). This variant is not present in population databases (gnomAD no frequency). This variant has not been reported in the literature in individuals affected with SMARCA4-related conditions. ClinVar contains an entry for this variant (Variation ID: 470332). Advanced modeling of protein sequence and biophysical properties (such as structural, functional, and spatial information, amino acid conservation, physicochemical variation, residue mobility, and thermodynamic stability) performed at Invitae indicates that this missense variant is not expected to disrupt SMARCA4 protein function with a negative predictive value of 95%. In summary, the available evidence is currently insufficient to determine the role of this variant in disease. Therefore, it has been classified as a Variant of Uncertain Significance.

NM_003072.5(SMARCA4):c.302G>A (p.Gly101Glu)

Gene: SMARCA4 (SWI/SNF related BAF chromatin remodeling complex subunit ATPase 4; plus strand). Cytogenetic location: 19p13.2.
Variant type: single nucleotide variant.
Coding change: c.302G>A on transcript NM_003072.5 (MANE Select); coding-DNA position 302, G replaced by A.
Protein change: p.Gly101Glu; replaces glycine 101 with glutamic acid.
Molecular consequence: missense variant. On other transcripts: non-coding transcript variant (1).
Genome position (GRCh38, 1-based): chr19:10,985,352, G>A. VCF-style: chr19-10985352-G-A. GRCh37 (hg19) VCF-style: chr19-11096028-G-A.
Other names: c.302G>A, p.Gly101Glu (NM_001128844.3, NM_001128845.2, NM_001128846.2 and 5 more transcripts); short protein forms G101E.
Identifiers: ClinVar variation 470332 (VCV000470332.12), dbSNP rs1555752083, ClinGen allele CA404055251.